The following is an entry in ClinVar:

NM_000352.6(ABCC8):c.289G>A (p.Gly97Arg)

Gene: ABCC8 (ATP binding cassette subfamily C member 8; minus strand). Cytogenetic location: 11p15.1.
Variant type: single nucleotide variant.
Coding change: c.289G>A on transcript NM_000352.6 (MANE Select); coding-DNA position 289, G replaced by A.
Protein change: p.Gly97Arg; replaces glycine 97 with arginine.
Molecular consequence: missense variant. On other transcripts: non-coding transcript variant (1).
Genome position (GRCh38, 1-based): chr11:17,474,887, C>T on the plus strand (G>A on the coding strand, the complement: ABCC8 is on the minus strand). VCF-style: chr11-17474887-C-T. GRCh37 (hg19) VCF-style: chr11-17496434-C-T.
Other names: c.289G>A, p.Gly97Arg (NM_001287174.3, NM_001351295.2, NM_001351296.2 and 1 more transcripts); c.289G>A (NM_000352.4); short protein forms G97R.
Identifiers: ClinVar variation 2587856 (VCV002587856.3), dbSNP rs1405170371, ClinGen allele CA379787027.

ClinVar aggregate classification (germline): Uncertain significance. Review status: criteria provided, single submitter (1 of 4 stars). 2 submissions from 2 submitters: Uncertain significance (1). 1 of the submissions does not count toward it. Last evaluated 2023-08-13.

Conditions:
Inborn genetic diseases. Identifiers: MedGen C0950123, MeSH D030342.
Hereditary hyperinsulinism.

Allele frequency attached by ClinVar (database versions not stated): TOPMed below 0.00001; gnomAD exomes below 0.00001; gnomAD 0.00001.

Submissions (2):

Ambry Genetics
Classification: Uncertain significance for Inborn genetic diseases. Last evaluated: 2023-08-13. Review status: criteria provided, single submitter. Criteria: Ambry Variant Classification Scheme 2023. Collection method: clinical testing. Allele origin: germline.
Comment: The p.G97R variant (also known as c.289G>A), located in coding exon 2 of the ABCC8 gene, results from a G to A substitution at nucleotide position 289. The glycine at codon 97 is replaced by arginine, an amino acid with dissimilar properties. This amino acid position is conserved. In addition, this alteration is predicted to be deleterious by in silico analysis. Since supporting evidence is limited at this time, the clinical significance of this alteration remains unclear.

Natera, Inc.
Classification: Uncertain significance for Hereditary hyperinsulinism. Last evaluated: 2025-05-07. Review status: no assertion criteria provided. Collection method: clinical testing. Allele origin: germline. Not counted in ClinVar's aggregate classification.